The following is an entry in ClinVar:

ClinVar aggregate classification (germline): Uncertain significance (1 of 4 stars; one submission).

Conditions:
Leigh syndrome (NULS). Also called: Leigh's necrotizing encephalopathy; Leigh's disease; Leigh Syndrome (mtDNA deletion); Leigh Disease; Subacute necrotizing encephalopathy; Necrotizing encephalopathy infantile subacute of Leigh. Identifiers: Orphanet 506, MedGen C2931891, MONDO:0009723, OMIM 256000.

Submission:

Wong Mito Lab, Molecular and Human Genetics, Baylor College of Medicine
Classification: Uncertain significance for Leigh syndrome. Last evaluated: 2019-10-17. Review status: criteria provided, single submitter. Criteria: Modified ACMG Guidelines (Unpublished). Collection method: clinical testing. Allele origin: germline.
Comment: The NC_012920.1:m.6712A>T (YP_003024028.1:p.Tyr270Phe) variant in MTCO1 gene is interpretated to be a Uncertain Significance variant based on the modified ACMG guidelines (unpublished). This variant meets the following evidence codes: PP7, BP5

NC_012920.1(MT-CO1):m.6712A>T

Gene: MT-CO1 (mitochondrially encoded cytochrome c oxidase I; plus strand).
Variant type: single nucleotide variant.
Genome position: chrM-6712-A-T.
Identifiers: ClinVar variation 692667 (VCV000692667.1), dbSNP rs1603220586, ClinGen allele CA414785811.